The following is an entry in ClinVar:

ClinVar aggregate classification (germline): Uncertain significance (1 of 4 stars; one submission).

Submission:

Ambry Genetics
Classification: Uncertain significance. Last evaluated: 2023-03-22. Review status: criteria provided, single submitter. Criteria: Ambry Variant Classification Scheme 2023. Collection method: clinical testing. Allele origin: germline.
Comment: The p.T144S variant (also known as c.431C>G), located in coding exon 3 of the MNDA gene, results from a C to G substitution at nucleotide position 431. The threonine at codon 144 is replaced by serine, an amino acid with similar properties. This amino acid position is conserved. In addition, this alteration is predicted to be tolerated by in silico analysis. Since supporting evidence is limited at this time, the clinical significance of this alteration remains unclear.

NM_002432.3(MNDA):c.431C>G (p.Thr144Ser)

Gene: MNDA (myeloid cell nuclear differentiation antigen; plus strand). Cytogenetic location: 1q23.1.
Variant type: single nucleotide variant.
Coding change: c.431C>G on transcript NM_002432.3 (MANE Select); coding-DNA position 431, C replaced by G.
Protein change: p.Thr144Ser; replaces threonine 144 with serine.
Molecular consequence: missense variant.
Genome position (GRCh38, 1-based): chr1:158,843,983, C>G. VCF-style: chr1-158843983-C-G. GRCh37 (hg19) VCF-style: chr1-158813773-C-G.
Other names: short protein forms T144S.
Identifiers: ClinVar variation 2563136 (VCV002563136.2), dbSNP rs2526081465, ClinGen allele CA343039184.